The following is an entry in ClinVar:

ClinVar aggregate classification (germline): Uncertain significance. Review status: criteria provided, multiple submitters, no conflicts (2 of 4 stars). 2 submissions from 2 submitters: Uncertain significance (2). Last evaluated 2023-04-25.

Conditions:
Inborn genetic diseases. Identifiers: MedGen C0950123, MeSH D030342.
Peroxisome biogenesis disorder. Identifiers: Orphanet 79189, MedGen C1832200, MONDO:0019234. Disease mechanism: loss of function.

Allele frequency attached by ClinVar (database versions not stated): gnomAD 0.00001; TOPMed 0.00001; gnomAD exomes 0.00002; ExAC 0.00003.
gnomAD v4.1: 25 of 1,613,726 alleles (0.0015%); highest among the groups gnomAD compares: South Asian, 0.021%; no homozygotes.

Submissions (2):

Ambry Genetics
Classification: Uncertain significance for Inborn genetic diseases. Last evaluated: 2023-04-25. Review status: criteria provided, single submitter. Criteria: Ambry Variant Classification Scheme 2023. Collection method: clinical testing. Allele origin: germline.

Labcorp Genetics (formerly Invitae), Labcorp
Classification: Uncertain significance for Peroxisome biogenesis disorder. Last evaluated: 2022-05-27. Review status: criteria provided, single submitter. Criteria: Invitae Variant Classification Sherloc (09022015). Collection method: clinical testing. Allele origin: germline.
Comment: This sequence change replaces tyrosine, which is neutral and polar, with histidine, which is basic and polar, at codon 970 of the PEX6 protein (p.Tyr970His). This variant is present in population databases (rs558323069, gnomAD 0.03%). This variant has not been reported in the literature in individuals affected with PEX6-related conditions. Algorithms developed to predict the effect of missense changes on protein structure and function (SIFT, PolyPhen-2, Align-GVGD) all suggest that this variant is likely to be disruptive. In summary, the available evidence is currently insufficient to determine the role of this variant in disease. Therefore, it has been classified as a Variant of Uncertain Significance.

NM_000287.4(PEX6):c.2908T>C (p.Tyr970His)

Gene: PEX6 (peroxisomal biogenesis factor 6; minus strand). Cytogenetic location: 6p21.1.
Variant type: single nucleotide variant.
Coding change: c.2908T>C on transcript NM_000287.4 (MANE Select); coding-DNA position 2908, T replaced by C.
Protein change: p.Tyr970His; replaces tyrosine 970 with histidine.
Molecular consequence: missense variant. On other transcripts: non-coding transcript variant (1).
Genome position (GRCh38, 1-based): chr6:42,964,370, A>G on the plus strand (T>C on the coding strand, the complement: PEX6 is on the minus strand). VCF-style: chr6-42964370-A-G. GRCh37 (hg19) VCF-style: chr6-42932108-A-G.
Other names: c.2644T>C, p.Tyr882His (NM_001316313.2); c.2908T>C (NM_000287.3); short protein forms Y970H, Y882H.
Identifiers: ClinVar variation 2143142 (VCV002143142.3), dbSNP rs558323069, ClinGen allele CA3810865.